The following is an entry in ClinVar:

NM_014806.5(RUSC2):c.2681T>G (p.Leu894Arg)

Gene: RUSC2 (RUN and SH3 domain containing 2; plus strand). Cytogenetic location: 9p13.3.
Variant type: single nucleotide variant.
Coding change: c.2681T>G on transcript NM_014806.5 (MANE Select); coding-DNA position 2681, T replaced by G.
Protein change: p.Leu894Arg; replaces leucine 894 with arginine.
Molecular consequence: missense variant. On other transcripts: non-coding transcript variant (1).
Genome position (GRCh38, 1-based): chr9:35,555,976, T>G. VCF-style: chr9-35555976-T-G. GRCh37 (hg19) VCF-style: chr9-35555973-T-G.
Other names: c.2681T>G, p.Leu894Arg (NM_001135999.2); c.47T>G, p.Leu16Arg (NM_001330740.2); short protein forms L16R, L894R.
Identifiers: ClinVar variation 1354592 (VCV001354592.5), dbSNP rs980130295, ClinGen allele CA192754948.
Genomic context (GRCh38, chr9:35,555,976, plus strand): 5'-AACTCTTGTCTTTCTGCTAATCTGTTCTGCTTCCAGCCAACCACCTATCCCCTCAAGCCC[T>G]CAAGTGGCGGGAATACAGGAGGAAGAACCCACTAGGGCCACCTGGTTTGTCAGGGAGCCT-3'
Protein context (NP_055621.2, residues 884-904): SNANHLSPQA[Leu894Arg]KWREYRRKNP

ClinVar aggregate classification (germline): Uncertain significance (1 of 4 stars; one submission).

Allele frequency attached by ClinVar (database versions not stated): TOPMed 0.00004.
gnomAD v4.1: 1 of 1,614,140 alleles (0.000062%); no homozygotes.

Submission:

Labcorp Genetics (formerly Invitae), Labcorp
Classification: Uncertain significance. Last evaluated: 2022-10-20. Review status: criteria provided, single submitter. Criteria: Invitae Variant Classification Sherloc (09022015). Collection method: clinical testing. Allele origin: germline.
Comment: This sequence change replaces leucine, which is neutral and non-polar, with arginine, which is basic and polar, at codon 894 of the RUSC2 protein (p.Leu894Arg). This variant is not present in population databases (gnomAD no frequency). This variant has not been reported in the literature in individuals affected with RUSC2-related conditions. ClinVar contains an entry for this variant (Variation ID: 1354592). Algorithms developed to predict the effect of missense changes on protein structure and function (SIFT, PolyPhen-2, Align-GVGD) all suggest that this variant is likely to be disruptive. In summary, the available evidence is currently insufficient to determine the role of this variant in disease. Therefore, it has been classified as a Variant of Uncertain Significance.